The following is an entry in ClinVar:

NM_015512.5(DNAH1):c.4195C>T (p.Arg1399Trp)

Gene: DNAH1 (dynein axonemal heavy chain 1; plus strand). Cytogenetic location: 3p21.1.
Variant type: single nucleotide variant.
Coding change: c.4195C>T on transcript NM_015512.5 (MANE Select); coding-DNA position 4195, C replaced by T.
Protein change: p.Arg1399Trp; replaces arginine 1399 with tryptophan.
Molecular consequence: missense variant.
Genome position (GRCh38, 1-based): chr3:52,358,666, C>T. VCF-style: chr3-52358666-C-T. GRCh37 (hg19) VCF-style: chr3-52392682-C-T.
Other names: short protein forms R1399W.
Identifiers: ClinVar variation 4012546 (VCV004012546.2).

ClinVar aggregate classification (germline): Uncertain significance. Review status: criteria provided, multiple submitters, no conflicts (2 of 4 stars). 2 submissions from 2 submitters: Uncertain significance (2). Last evaluated 2025-05-04.

Conditions:
Ciliary dyskinesia, primary, 37 (CILD37). Also called: CILIARY DYSKINESIA, PRIMARY, 37, WITH OR WITHOUT SITUS INVERSUS. Identifiers: MedGen C4539798, MONDO:0033204, OMIM 617577.
Spermatogenic failure 18. Identifiers: MedGen C4539783, MONDO:0054615, OMIM 617576.

gnomAD v4.1: 36 of 1,612,854 alleles (0.0022%); highest among the groups gnomAD compares: East Asian, 0.033%; no homozygotes.

Submissions (2):

Ambry Genetics
Classification: Uncertain significance. Last evaluated: 2025-05-04. Review status: criteria provided, single submitter. Criteria: Ambry Variant Classification Scheme 2023. Collection method: clinical testing. Allele origin: germline.

Labcorp Genetics (formerly Invitae), Labcorp
Classification: Uncertain significance for Ciliary dyskinesia, primary, 37; Spermatogenic failure 18. Last evaluated: 2025-04-02. Review status: criteria provided, single submitter. Criteria: Invitae Variant Classification Sherloc (09022015). Collection method: clinical testing. Allele origin: germline.
Comment: This sequence change replaces arginine, which is basic and polar, with tryptophan, which is neutral and slightly polar, at codon 1399 of the DNAH1 protein (p.Arg1399Trp). This variant is present in population databases (rs369520182, gnomAD 0.02%). This variant has not been reported in the literature in individuals affected with DNAH1-related conditions. Invitae Evidence Modeling of protein sequence and biophysical properties (such as structural, functional, and spatial information, amino acid conservation, physicochemical variation, residue mobility, and thermodynamic stability) indicates that this missense variant is expected to disrupt DNAH1 protein function with a positive predictive value of 80%. In summary, the available evidence is currently insufficient to determine the role of this variant in disease. Therefore, it has been classified as a Variant of Uncertain Significance.